The following is an entry in ClinVar:

NM_003680.4(YARS1):c.380+4A>G

Gene: YARS1 (tyrosyl-tRNA synthetase 1; minus strand). Cytogenetic location: 1p35.1.
Variant type: single nucleotide variant.
Coding change: c.380+4A>G on transcript NM_003680.4 (MANE Select); 4 bases into the intron after coding-DNA position 380, A replaced by G.
Molecular consequence: intron variant.
Genome position (GRCh38, 1-based): chr1:32,810,587, T>C on the plus strand (A>G on the coding strand, the complement: YARS1 is on the minus strand). VCF-style: chr1-32810587-T-C. GRCh37 (hg19) VCF-style: chr1-33276188-T-C.
Identifiers: ClinVar variation 969678 (VCV000969678.7), dbSNP rs1638561575, ClinGen allele CA1139656051.

ClinVar aggregate classification (germline): Uncertain significance (1 of 4 stars; one submission).

Conditions:
Charcot-Marie-Tooth disease dominant intermediate C (CMTDIC). Also called: CHARCOT-MARIE-TOOTH NEUROPATHY, DOMINANT INTERMEDIATE C. Identifiers: Orphanet 100045, MedGen C1842237, MONDO:0012012, OMIM 608323.

Submission:

Labcorp Genetics (formerly Invitae), Labcorp
Classification: Uncertain significance for Charcot-Marie-Tooth disease dominant intermediate C. Last evaluated: 2023-11-08. Review status: criteria provided, single submitter. Criteria: Invitae Variant Classification Sherloc (09022015). Collection method: clinical testing. Allele origin: germline.
Comment: This sequence change falls in intron 3 of the YARS gene. It does not directly change the encoded amino acid sequence of the YARS protein. It affects a nucleotide within the consensus splice site. This variant is not present in population databases (gnomAD no frequency). This variant has not been reported in the literature in individuals affected with YARS-related conditions. ClinVar contains an entry for this variant (Variation ID: 969678). Variants that disrupt the consensus splice site are a relatively common cause of aberrant splicing (PMID: 17576681, 9536098). Algorithms developed to predict the effect of sequence changes on RNA splicing suggest that this variant is not likely to affect RNA splicing. In summary, the available evidence is currently insufficient to determine the role of this variant in disease. Therefore, it has been classified as a Variant of Uncertain Significance.

Literature cited by the submitters: PubMed 17576681; PubMed 9536098.